The following is an entry in ClinVar:

NM_001253697.2(ERBIN):c.926A>G (p.Asn309Ser)

Gene: ERBIN (erbb2 interacting protein; plus strand). Cytogenetic location: 5q12.3.
Variant type: single nucleotide variant.
Coding change: c.926A>G on transcript NM_001253697.2 (MANE Select); coding-DNA position 926, A replaced by G.
Protein change: p.Asn309Ser; replaces asparagine 309 with serine.
Molecular consequence: missense variant.
Genome position (GRCh38, 1-based): chr5:66,025,883, A>G. VCF-style: chr5-66025883-A-G. GRCh37 (hg19) VCF-style: chr5-65321711-A-G.
Other names: c.926A>G, p.Asn309Ser (NM_001006600.3, NM_001253698.2, NM_001253699.2 and 2 more transcripts); short protein forms N309S.
Identifiers: ClinVar variation 2781828 (VCV002781828.3), dbSNP rs1201364757, ClinGen allele CA359975247.

ClinVar aggregate classification (germline): Uncertain significance (1 of 4 stars; one submission).

Allele frequency attached by ClinVar (database versions not stated): gnomAD exomes below 0.00001; TOPMed below 0.00001; gnomAD 0.00001.
gnomAD v4.1: 3 of 1,568,028 alleles (0.00019%); highest among the groups gnomAD compares: Non-Finnish European, 0.00026%; no homozygotes.

Submission:

Labcorp Genetics (formerly Invitae), Labcorp
Classification: Uncertain significance. Last evaluated: 2023-04-26. Review status: criteria provided, single submitter. Criteria: Invitae Variant Classification Sherloc (09022015). Collection method: clinical testing. Allele origin: germline.
Comment: This sequence change replaces asparagine, which is neutral and polar, with serine, which is neutral and polar, at codon 309 of the ERBIN protein (p.Asn309Ser). This variant is not present in population databases (gnomAD no frequency). This variant has not been reported in the literature in individuals affected with ERBIN-related conditions. An algorithm developed to predict the effect of missense changes on protein structure and function (PolyPhen-2) suggests that this variant is likely to be disruptive. In summary, the available evidence is currently insufficient to determine the role of this variant in disease. Therefore, it has been classified as a Variant of Uncertain Significance.